The following is an entry in ClinVar:

NM_198060.4(NRAP):c.5144A>G (p.Asp1715Gly)

Genes: HABP2 (hyaluronan binding protein 2; plus strand), NRAP (nebulin related anchoring protein; minus strand). Cytogenetic location: 10q25.3.
Variant type: single nucleotide variant.
Coding change: c.5144A>G on transcript NM_198060.4 (MANE Select); coding-DNA position 5144, A replaced by G.
Protein change: p.Asp1715Gly; replaces aspartic acid 1715 with glycine.
Molecular consequence: missense variant. On other transcripts: 3 prime UTR variant (2).
Genome position (GRCh38, 1-based): chr10:113,589,024, T>C on the plus strand (A>G on the coding strand, the complement: NRAP is on the minus strand). VCF-style: chr10-113589024-T-C. GRCh37 (hg19) VCF-style: chr10-115348783-T-C.
Other names: c.*655T>C (NM_001177660.3, NM_004132.5); c.5147A>G, p.Asp1716Gly (NM_001261463.2); c.5036A>G, p.Asp1679Gly (NM_001322945.2); c.5039A>G, p.Asp1680Gly (NM_006175.5); short protein forms D1679G, D1680G, D1715G, D1716G.
Identifiers: ClinVar variation 3895452 (VCV003895452.1), dbSNP rs1407504961.
Genomic context (GRCh38, chr10:113,589,024, plus strand): 5'-GTGGACATGGCTCACAACAGCAGGGCCTTCTTCTTTTTGACGTGCAGAATCTCAGTGGCA[T>C]CTGGGTTCACCTCCCCACTCTGATGATCTCCAGCCTCCACTGCTTCTGCCCCCCGCTGCT-3'
Protein context (NP_932326.2, residues 1705-1725): GDHQSGEVNP[Asp1715Gly]ATEILHVKKK

ClinVar aggregate classification (germline): Uncertain significance (1 of 4 stars; one submission).

Conditions:
Cardiovascular phenotype. Identifiers: MedGen CN230736.

Submission:

Molecular Diagnostic Laboratory for Inherited Cardiovascular Disease, Montreal Heart Institute
Classification: Uncertain significance for Cardiovascular phenotype. Last evaluated: 2025-04-09. Review status: criteria provided, single submitter. Criteria: ACMG Guidelines, 2015. Collection method: clinical testing. Allele origin: germline. Affected: yes.
Comment: PM2